The following is an entry in ClinVar:

NM_014915.3(ANKRD26):c.-51T>A

Gene: ANKRD26 (ankyrin repeat domain 26; minus strand). Cytogenetic location: 10p12.1.
Variant type: single nucleotide variant.
Coding change: c.-51T>A on transcript NM_014915.3 (MANE Select); 51 bases upstream of the start codon, T replaced by A.
Molecular consequence: 5 prime UTR variant.
Genome position (GRCh38, 1-based): chr10:27,100,377, A>T on the plus strand (T>A on the coding strand, the complement: ANKRD26 is on the minus strand). VCF-style: chr10-27100377-A-T. GRCh37 (hg19) VCF-style: chr10-27389306-A-T.
Other names: c.-51T>A (NM_001256053.2).
Identifiers: ClinVar variation 880165 (VCV000880165.6), dbSNP rs762195334, ClinGen allele CA5449106.

ClinVar aggregate classification (germline): Conflicting classifications of pathogenicity. Review status: criteria provided, conflicting classifications (1 of 4 stars). 2 submissions from 2 submitters: Uncertain significance (1); Likely benign (1). Last evaluated 2024-11-05.

Conditions:
Thrombocytopenia 2 (THC2). Also called: ANKRD26-Related Thrombocytopenia. Identifiers: Orphanet 268322, MedGen C1861185, MONDO:0008555, OMIM 188000.

Allele frequency attached by ClinVar (database versions not stated): ExAC 0.00002; TOPMed 0.00002.
gnomAD v4.1: 43 of 1,599,428 alleles (0.0027%); highest among the groups gnomAD compares: Non-Finnish European, 0.0035%; no homozygotes.

Submissions (2):

Labcorp Genetics (formerly Invitae), Labcorp
Classification: Uncertain significance. Last evaluated: 2024-11-05. Review status: criteria provided, single submitter. Criteria: Invitae Variant Classification Sherloc (09022015). Collection method: clinical testing. Allele origin: germline.
Comment: This variant occurs in a non-coding region of the ANKRD26 gene. It does not change the encoded amino acid sequence of the ANKRD26 protein. This variant is present in population databases (rs762195334, gnomAD 0.003%). This variant has not been reported in the literature in individuals affected with ANKRD26-related conditions. ClinVar contains an entry for this variant (Variation ID: 880165). In summary, the available evidence is currently insufficient to determine the role of this variant in disease. Therefore, it has been classified as a Variant of Uncertain Significance.

Illumina Laboratory Services, Illumina
Classification: Likely benign for Thrombocytopenia 2. Last evaluated: 2018-01-12. Review status: criteria provided, single submitter. Criteria: ICSL Variant Classification Criteria 13 December 2019. Collection method: clinical testing. Allele origin: germline.
Comment: This variant was observed in the ICSL laboratory as part of a predisposition screen in an ostensibly healthy population. It had not been previously curated by ICSL or reported in the Human Gene Mutation Database (HGMD: prior to June 1st, 2018), and was therefore a candidate for classification through an automated scoring system. Utilizing variant allele frequency, disease prevalence and penetrance estimates, and inheritance mode, an automated score was calculated to assess if this variant is too frequent to cause the disease. Based on the score and internal cut-off values, a variant classified as likely benign is not then subjected to further curation. The score for this variant resulted in a classification of likely benign for this disease.